The following is an entry in ClinVar:

ClinVar aggregate classification (germline): Pathogenic/Likely pathogenic. Review status: criteria provided, multiple submitters, no conflicts (2 of 4 stars). 2 submissions from 2 submitters: Pathogenic (1); Likely pathogenic (1). Last evaluated 2025-10-22.

Conditions:
IFT74-related disorder. Also called: IFT74-related condition; IFT74-Related Disorders.

Allele frequency attached by ClinVar (database versions not stated): ExAC 0.00001; gnomAD exomes 0.00001.

Submissions (2):

PreventionGenetics, part of Exact Sciences
Classification: Likely pathogenic for IFT74-related condition. Last evaluated: 2025-10-22. Review status: criteria provided, single submitter. Criteria: ACMG Guidelines, 2015. Collection method: clinical testing. Allele origin: germline.
Comment: The IFT74 c.1383dupT variant is predicted to result in premature protein termination (p.Lys462*). To our knowledge, this variant has not been reported in the literature. This variant is reported in 0.0070% of alleles in individuals of Latino descent in gnomAD. Nonsense variants in IFT74 are expected to be pathogenic. This variant is interpreted as likely pathogenic.

Labcorp Genetics (formerly Invitae), Labcorp
Classification: Pathogenic. Last evaluated: 2022-07-12. Review status: criteria provided, single submitter. Criteria: Invitae Variant Classification Sherloc (09022015). Collection method: clinical testing. Allele origin: germline.
Comment: This variant has not been reported in the literature in individuals affected with IFT74-related conditions. For these reasons, this variant has been classified as Pathogenic. This variant is present in population databases (rs775169386, gnomAD 0.007%). This sequence change creates a premature translational stop signal (p.Lys462*) in the IFT74 gene. It is expected to result in an absent or disrupted protein product. Loss-of-function variants in IFT74 are known to be pathogenic (PMID: 33531668).

Literature cited by the submitters: PubMed 33531668 (cited by Labcorp Genetics (formerly Invitae), Labcorp).

NM_025103.4(IFT74):c.1383dup (p.Lys462Ter)

Gene: IFT74 (intraflagellar transport 74; plus strand). Cytogenetic location: 9p21.2.
Variant type: Duplication.
Coding change: c.1383dup on transcript NM_025103.4 (MANE Select); coding-DNA position 1383, one base duplicated (T; older notation c.1383dupT).
Protein change: p.Lys462Ter; replaces lysine 462 with a stop codon.
Molecular consequence: nonsense.
Genome position (GRCh38, 1-based): chr9:27,055,658, T duplicated. VCF-style (leftmost placement, unchanged base first): chr9-27055657-G-GT. GRCh37 (hg19) VCF-style: chr9-27055655-G-GT.
Other names: c.1383dup, p.Lys462Ter (NM_001099222.3, NM_001099223.3, NM_001349928.2); c.1383dupT (NM_025103.2); short protein forms K462*.
Identifiers: ClinVar variation 2072074 (VCV002072074.5), dbSNP rs775169386, ClinGen allele CA5015658.